The following is an entry in ClinVar:

NM_001130987.2(DYSF):c.5317+1G>A

Gene: DYSF (dysferlin; plus strand). Cytogenetic location: 2p13.2.
Variant type: single nucleotide variant.
Coding change: c.5317+1G>A on transcript NM_001130987.2 (MANE Select); the canonical splice donor site of the intron after coding-DNA position 5317, G replaced by A.
Molecular consequence: splice donor variant.
Genome position (GRCh38, 1-based): chr2:71,665,305, G>A. VCF-style: chr2-71665305-G-A. GRCh37 (hg19) VCF-style: chr2-71892435-G-A.
Other names: c.5293+1G>A (NM_001130979.2); c.5314+1G>A (NM_001130981.2); c.5251+1G>A (NM_001130980.2); c.5263+1G>A (NM_001130978.2); c.5200+1G>A (NM_003494.4); c.5221+1G>A (NM_001130977.2); c.5158+1G>A (NM_001130976.2); c.5296+1G>A (NM_001130982.2); and 5 more.
Identifiers: ClinVar variation 538631 (VCV000538631.18), dbSNP rs773386253, ClinGen allele CA1707318.
Genomic context (GRCh38, chr2:71,665,305, plus strand): 5'-CTGTGTACCGGACAGACCGTGTAATGTTTCAGGATAAAGAATATTCCATTGAAGAGATAG[G>A]TGAGCTGCCACATGACCCCAAACCATGGTGGGCTCTCGCTGTATCCCTCCCTCTCTCATC-3'

ClinVar aggregate classification (germline): Pathogenic/Likely pathogenic. Review status: criteria provided, multiple submitters, no conflicts (2 of 4 stars). 5 submissions from 5 submitters: Pathogenic (3); Likely pathogenic (1). 1 of the submissions does not count toward it. Last evaluated 2025-04-08.

Conditions:
Distal myopathy with anterior tibial onset. Identifiers: Orphanet 178400, MedGen C1847532, MONDO:0011721, OMIM 606768.
Autosomal recessive limb-girdle muscular dystrophy type 2B (LGMDR2). Also called: Limb-girdle muscular dystrophy, type 2B; MUSCULAR DYSTROPHY, LIMB-GIRDLE, TYPE 3; Limb-Girdle Muscular Dystrophy Type 2B (LGMD2B); MUSCULAR DYSTROPHY, LIMB-GIRDLE, AUTOSOMAL RECESSIVE 2. Identifiers: Orphanet 268, MedGen C1850889, MONDO:0009676, OMIM 253601.
Miyoshi muscular dystrophy 1 (MMD1). Identifiers: Orphanet 45448, MedGen C4551973, MONDO:0024545, OMIM 254130.
Neuromuscular disease caused by qualitative or quantitative defects of dysferlin. Also called: Dysferlinopathy; Qualitative or quantitative defects of dysferlin. Identifiers: Orphanet 207073, MedGen C2931687, MONDO:0016145.

Allele frequency attached by ClinVar (database versions not stated): gnomAD exomes below 0.00001; ExAC 0.00001.

Submissions (5):

Natera, Inc.
Classification: Pathogenic for Limb-girdle muscular dystrophy type 2B. Last evaluated: 2025-04-08. Review status: criteria provided, single submitter. Criteria: Natera Variant Classification Schema (03/2026). Collection method: clinical testing. Allele origin: germline.
Comment: The c.5200+1G>A variant in DYSF is a canonical splice donor site variant predicted to affect pre-mRNA splicing, which may result in an abnormal transcript and altered protein product. This variant is expected to result in nonsense mediated decay, truncation, or a dysfunctional protein product. This variant is rare in the general population with a frequency below the threshold expected for the associated phenotype(s). This variant has been observed in one or more individuals affected with the associated recessive disease, as either homozygous or compound heterozygous with a second variant (PMID: 17994539). Given the available evidence, this variant is classified as Pathogenic.

Labcorp Genetics (formerly Invitae), Labcorp
Classification: Pathogenic for Neuromuscular disease caused by qualitative or quantitative defects of dysferlin. Last evaluated: 2023-10-03. Review status: criteria provided, single submitter. Criteria: Invitae Variant Classification Sherloc (09022015). Collection method: clinical testing. Allele origin: germline.
Comment: This sequence change affects a donor splice site in intron 46 of the DYSF gene. It is expected to disrupt RNA splicing. Variants that disrupt the donor or acceptor splice site typically lead to a loss of protein function (PMID: 16199547), and loss-of-function variants in DYSF are known to be pathogenic (PMID: 17698709, 20301480). This variant is present in population databases (rs773386253, gnomAD 0.0009%). Disruption of this splice site has been observed in individuals with limb girdle muscular dystrophy type 2B (PMID: 16100712). ClinVar contains an entry for this variant (Variation ID: 538631). Algorithms developed to predict the effect of sequence changes on RNA splicing suggest that this variant may disrupt the consensus splice site. For these reasons, this variant has been classified as Pathogenic.

Fulgent Genetics
Classification: Likely pathogenic for Autosomal recessive limb-girdle muscular dystrophy type 2B; Miyoshi muscular dystrophy 1; Distal myopathy with anterior tibial onset. Last evaluated: 2021-08-20. Review status: criteria provided, single submitter. Criteria: ACMG Guidelines, 2015. Collection method: clinical testing. Allele origin: unknown.

Eurofins Ntd Llc (ga)
Classification: Pathogenic. Last evaluated: 2018-05-08. Review status: criteria provided, single submitter. Criteria: EGL ClinVar v180209 classification definitions. Collection method: clinical testing. Allele origin: germline. Observed: 1 variant allele, 1 heterozygote.

Counsyl
Classification: Pathogenic for Autosomal recessive limb-girdle muscular dystrophy type 2B. Last evaluated: 2017-09-01. Review status: no assertion criteria provided. Collection method: clinical testing. Allele origin: unknown. Not counted in ClinVar's aggregate classification.

Literature cited by the submitters: PubMed 17994539 (cited by Natera, Inc.); PubMed 16199547 (cited by Labcorp Genetics (formerly Invitae), Labcorp); PubMed 17698709 (cited by Labcorp Genetics (formerly Invitae), Labcorp); PubMed 20301480 (cited by Labcorp Genetics (formerly Invitae), Labcorp); PubMed 16100712 (cited by Labcorp Genetics (formerly Invitae), Labcorp and Counsyl).